The following is an entry in ClinVar:

NM_015122.3(FCHO1):c.1360A>G (p.Ser454Gly)

Gene: FCHO1 (FCH and mu domain containing endocytic adaptor 1; plus strand). Cytogenetic location: 19p13.11.
Variant type: single nucleotide variant.
Coding change: c.1360A>G on transcript NM_015122.3 (MANE Select); coding-DNA position 1360, A replaced by G.
Protein change: p.Ser454Gly; replaces serine 454 with glycine.
Molecular consequence: missense variant. On other transcripts: non-coding transcript variant (14), intron variant (15).
Genome position (GRCh38, 1-based): chr19:17,778,617, A>G. VCF-style: chr19-17778617-A-G. GRCh37 (hg19) VCF-style: chr19-17889426-A-G.
Other names: c.1360A>G, p.Ser454Gly (NM_001161357.2, NM_001161358.2, NM_001384370.1 and 13 more transcripts); c.1210A>G, p.Ser404Gly (NM_001161359.2, NM_001384384.1, NM_001384385.1 and 1 more transcripts); c.1321A>G, p.Ser441Gly (NM_001384388.1, NM_001384389.1, NM_001384405.1); c.1285A>G, p.Ser429Gly (NM_001384390.1); c.1351+389A>G (NM_001384396.1, NM_001384404.1, NM_001384398.1 and 5 more transcripts); c.1201+389A>G (NM_001384406.1); c.1057+2346A>G (NM_001384407.1); c.1352-109A>G (NM_001384393.1, NM_001384394.1, NM_001384392.1 and 1 more transcripts); and 1 more; short protein forms S429G, S454G, S404G, S441G.
Identifiers: ClinVar variation 1511697 (VCV001511697.6), dbSNP rs1284687586, ClinGen allele CA404753097.

ClinVar aggregate classification (germline): Uncertain significance (1 of 4 stars; one submission).

Allele frequency attached by ClinVar (database versions not stated): TOPMed below 0.00001; gnomAD 0.00001.

Submission:

Labcorp Genetics (formerly Invitae), Labcorp
Classification: Uncertain significance. Last evaluated: 2022-02-10. Review status: criteria provided, single submitter. Criteria: Invitae Variant Classification Sherloc (09022015). Collection method: clinical testing. Allele origin: germline.
Comment: This sequence change replaces serine, which is neutral and polar, with glycine, which is neutral and non-polar, at codon 454 of the FCHO1 protein (p.Ser454Gly). In summary, the available evidence is currently insufficient to determine the role of this variant in disease. Therefore, it has been classified as a Variant of Uncertain Significance. Algorithms developed to predict the effect of missense changes on protein structure and function (SIFT, PolyPhen-2, Align-GVGD) all suggest that this variant is likely to be tolerated. This variant has not been reported in the literature in individuals affected with FCHO1-related conditions. This variant is not present in population databases (gnomAD no frequency).